The following is an entry in ClinVar:

ClinVar aggregate classification (germline): Uncertain significance (1 of 4 stars; one submission).

Conditions:
BDNF-related disorder. Also called: BDNF-related condition.

Allele frequency attached by ClinVar (database versions not stated): ExAC 0.00002; gnomAD 0.00002; TOPMed 0.00002; gnomAD exomes 0.00006; ESP Exome Variant Server 0.00008.
gnomAD v4.1: 95 of 1,614,082 alleles (0.0059%); highest among the groups gnomAD compares: Non-Finnish European, 0.0078%; no homozygotes.

Submission:

PreventionGenetics, part of Exact Sciences
Classification: Uncertain significance for BDNF-related condition. Last evaluated: 2024-11-12. Review status: criteria provided, single submitter. Criteria: ACMG Guidelines, 2015. Collection method: clinical testing. Allele origin: germline.
Comment: The BDNF c.472A>G variant is predicted to result in the amino acid substitution p.Lys158Glu. To our knowledge, this variant has not been reported in the literature. This variant is reported in 0.0035% of alleles in individuals of European (Non-Finnish) descent in gnomAD. At this time, the clinical significance of this variant is uncertain due to the absence of conclusive functional and genetic evidence.

NM_001709.5(BDNF):c.226A>G (p.Lys76Glu)

Genes: BDNF (brain derived neurotrophic factor; minus strand), BDNF-AS (BDNF antisense RNA; plus strand). Cytogenetic location: 11p14.1.
Variant type: single nucleotide variant.
Coding change: c.226A>G on transcript NM_001709.5 (MANE Select); coding-DNA position 226, A replaced by G.
Protein change: p.Lys76Glu; replaces lysine 76 with glutamic acid.
Molecular consequence: missense variant. On other transcripts: non-coding transcript variant (5).
Genome position (GRCh38, 1-based): chr11:27,658,339, T>C on the plus strand (A>G on the coding strand, the complement: BDNF is on the minus strand). VCF-style: chr11-27658339-T-C. GRCh37 (hg19) VCF-style: chr11-27679886-T-C.
Other names: c.226A>G, p.Lys76Glu (NM_001143805.1, NM_001143806.1, NM_001143807.2 and 9 more transcripts); c.313A>G, p.Lys105Glu (NM_001143809.2); c.472A>G, p.Lys158Glu (NM_001143810.2); c.250A>G, p.Lys84Glu (NM_170731.5); c.271A>G, p.Lys91Glu (NM_170734.4); short protein forms K105E, K158E, K76E, K84E, K91E.
Identifiers: ClinVar variation 2628592 (VCV002628592.2), dbSNP rs372937141, ClinGen allele CA5929121.